The following is an entry in ClinVar:

NM_016204.4(GDF2):c.-19G>A

Gene: GDF2 (growth differentiation factor 2; plus strand). Cytogenetic location: 10q11.22.
Variant type: single nucleotide variant.
Coding change: c.-19G>A on transcript NM_016204.4 (MANE Select); 19 bases upstream of the start codon, G replaced by A.
Molecular consequence: 5 prime UTR variant.
Genome position (GRCh38, 1-based): chr10:47,322,650, G>A. VCF-style: chr10-47322650-G-A. GRCh37 (hg19) VCF-style: chr10-48416712-C-T.
Identifiers: ClinVar variation 3766493 (VCV003766493.1).

ClinVar aggregate classification (germline): Uncertain significance (1 of 4 stars; one submission).

Conditions:
Telangiectasia, hereditary hemorrhagic, type 5 (HHT5). Identifiers: Orphanet 774, MedGen C3809710, MONDO:0014217, OMIM 615506.

Submission:

ARUP Laboratories, Molecular Genetics and Genomics, ARUP Laboratories
Classification: Uncertain significance for Telangiectasia, hereditary hemorrhagic, type 5. Last evaluated: 2024-03-05. Review status: criteria provided, single submitter. Criteria: ARUP Molecular Germline Variant Investigation Process 2024. Collection method: clinical testing. Allele origin: germline.
Comment: The GDF2 c.-19G>A variant (rs782261249), to our knowledge, is not reported in the medical literature or gene specific databases. This variant is only observed on one allele in the Genome Aggregation Database (v2.1.1), indicating it is not a common polymorphism. This variant is located in the 5' untranslated region and creates a novel protein translation start codon, that if utilized may cause a frameshift. However, given the lack of clinical and functional data, the significance of this variant is uncertain at this time.